The following is an entry in ClinVar:

ClinVar aggregate classification (germline): Conflicting classifications of pathogenicity. Review status: criteria provided, conflicting classifications (1 of 4 stars). 5 submissions from 5 submitters: Uncertain significance (1); Likely benign (3). 1 of the submissions does not count toward it. Last evaluated 2026-02-06.

Conditions:
Bile duct cancer. Identifiers: MedGen CN296287, MONDO:0003059.
PKD1-related disorder. Also called: PKD1-related condition.
Polycystic kidney disease, adult type (PKD1). Also called: Polycystic Kidney Disease 1, Autosomal Dominant; Polycystic kidney disease 1; Polycystic kidney disease 1, severe; POLYCYSTIC KIDNEY DISEASE, ADULT, TYPE I; Polycystic Kidney, Autosomal Dominant; POLYCYSTIC KIDNEY DISEASE 1 WITH OR WITHOUT POLYCYSTIC LIVER DISEASE. Identifiers: MedGen C3149841, MONDO:0008263, OMIM 173900.

Allele frequency attached by ClinVar (database versions not stated): gnomAD 0.00002 and 0.00009; TOPMed 0.00003; gnomAD exomes 0.00019 and 0.00031; ExAC 0.00029; 1000 Genomes Project 30x 0.00031; 1000 Genomes Project 0.00040.
gnomAD v4.1: 286 of 1,610,060 alleles (0.018%); highest among the groups gnomAD compares: South Asian, 0.26%; 2 homozygotes.

Submissions (5):

PreventionGenetics, part of Exact Sciences
Classification: Likely benign for PKD1-related condition. Last evaluated: 2026-02-06. Review status: criteria provided, single submitter. Criteria: ACMG Guidelines, 2015. Collection method: clinical testing. Allele origin: germline.
Comment: This variant is classified as likely benign based on ACMG/AMP sequence variant interpretation guidelines (Richards et al. 2015 PMID: 25741868, with internal and published modifications).

Blueprint Genetics
Classification: Likely benign. Last evaluated: 2024-11-21. Review status: criteria provided, single submitter. Criteria: ACMG Guidelines, 2015. Collection method: clinical testing. Allele origin: germline.

Athena Diagnostics
Classification: Likely benign. Last evaluated: 2021-01-19. Review status: criteria provided, single submitter. Criteria: Athena Diagnostics criteria. Collection method: clinical testing. Allele origin: unknown.

ARUP Laboratories, Molecular Genetics and Genomics, ARUP Laboratories
Classification: Uncertain significance for Polycystic kidney disease, adult type. Last evaluated: 2018-09-11. Review status: criteria provided, single submitter. Criteria: ARUP Molecular Germline Variant Investigation Process. Collection method: clinical testing. Allele origin: germline.
Comment: The PKD1 c.3344C>T; p.Thr1115Met variant (rs552292318) has been described in at least one individual with autosomal dominant polycystic kidney disease (ADPKD; Jin 2016). Although these authors suggested it is likely pathogenic, they don't provide criteria for variant classification. It is observed in the South Asian population at an overall frequency of 0.23% (70/30734 alleles) in the Genome Aggregation Database. The threonine at codon 1115 is moderately conserved, and computational algorithms (PolyPhen-2, SIFT) predict that this variant is deleterious. However, due to limited clinical and functional data regarding this variant, its clinical significance cannot be determined with certainty. References: Jin M et al. System analysis of gene mutations and clinical phenotype in Chinese patients with autosomal-dominant polycystic kidney disease. Sci Rep. 2016 Oct 26;6:35945.

Department of Pathology and Laboratory Medicine, Sinai Health System
Classification: Likely benign for Bile duct cancer. Review status: no assertion criteria provided. Collection method: clinical testing. Allele origin: unknown. Affected: yes. Study: The Canadian Open Genetics Repository (COGR). Not counted in ClinVar's aggregate classification.
Comment: The PKD1 p.Thr1115Met variant was not identified in the literature nor was it identified in the ClinVar, LOVD 3.0, ADPKD Mutation Database, or PKD1-LOVD databases. The variant was identified in dbSNP (ID: rs552292318). The variant was identified in control databases in 77 of 241370 chromosomes at a frequency of 0.0003 (Genome Aggregation Database Feb 27, 2017). The variant was observed in the following populations: South Asian in 70 of 30734 chromosomes (freq: 0.002), Other in 1 of 5402 chromosomes (freq: 0.0002), Latino in 2 of 33500 chromosomes (freq: 0.00006), and European in 4 of 107734 chromosomes (freq: 0.00004); it was not observed in the African, Ashkenazi Jewish, East Asian, or Finnish populations. The variant was identified in our laboratory with a co-occurring pathogenic PKD1 variant (c.12682dupC, p.Arg4228Profs*157), increasing the likelihood that the p.Thr1115Met variant does not have clinical significance. The p.Thr1115 residue is conserved in mammals but not in more distantly related organisms, and 5 of 5 computational analyses (PolyPhen-2, SIFT, AlignGVGD, BLOSUM, MutationTaster) suggest that the variant may impact the protein; however, this information is not predictive enough to assume pathogenicity. The variant occurs outside of the splicing consensus sequence and in silico or computational prediction software programs (SpliceSiteFinder, MaxEntScan, NNSPLICE, GeneSplicer) do not predict a difference in splicing. In summary, based on the above information, the clinical significance of this variant cannot be determined with certainty at this time although we would lean towards a more benign role for this variant. This variant is classified as likely benign.

Literature cited by the submitters: PubMed 27782177 (cited by Athena Diagnostics).

NM_001009944.3(PKD1):c.3344C>T (p.Thr1115Met)

Gene: PKD1 (polycystin 1, transient receptor potential channel interacting; minus strand). Cytogenetic location: 16p13.3.
Variant type: single nucleotide variant.
Coding change: c.3344C>T on transcript NM_001009944.3 (MANE Select); coding-DNA position 3344, C replaced by T.
Protein change: p.Thr1115Met; replaces threonine 1115 with methionine.
Molecular consequence: missense variant.
Genome position (GRCh38, 1-based): chr16:2,111,823, G>A on the plus strand (C>T on the coding strand, the complement: PKD1 is on the minus strand). VCF-style: chr16-2111823-G-A. GRCh37 (hg19) VCF-style: chr16-2161824-G-A.
Other names: c.3344C>T (NM_001009944.2); c.3344C>T, p.Thr1115Met (NM_000296.4); short protein forms T1115M.
Identifiers: ClinVar variation 811142 (VCV000811142.12), dbSNP rs552292318, ClinGen allele CA7832805.